The following is an entry in ClinVar:

NC_000002.11:g.(?_44200736)_(44209583_?)del

Gene: LRPPRC (leucine rich pentatricopeptide repeat containing; minus strand). Cytogenetic location: 2p21.
Variant type: Deletion.
Identifiers: ClinVar variation 1457003 (VCV001457003.5).

ClinVar aggregate classification (germline): Pathogenic (1 of 4 stars; one submission).

Submission:

Labcorp Genetics (formerly Invitae), Labcorp
Classification: Pathogenic. Last evaluated: 2021-08-12. Review status: criteria provided, single submitter. Criteria: Invitae Variant Classification Sherloc (09022015). Collection method: clinical testing. Allele origin: germline.
Comment: This variant is a gross deletion of the genomic region encompassing exon(s) 2-11 of the LRPPRC gene. This deletion is out-of-frame, and is expected to create a premature termination codon and result in an absent or disrupted protein product. Loss-of-function variants in LRPPRC are known to be pathogenic (PMID: 26510951). This variant has not been reported in the literature in individuals affected with LRPPRC-related conditions. For these reasons, this variant has been classified as Pathogenic.

Literature cited by the submitters: PubMed 26510951.